The following is an entry in ClinVar:

ClinVar aggregate classification (germline): Uncertain significance. Review status: criteria provided, multiple submitters, no conflicts (2 of 4 stars). 3 submissions from 3 submitters: Uncertain significance (3). Last evaluated 2025-04-29.

Conditions:
Hereditary cancer-predisposing syndrome. Also called: Hereditary neoplastic syndrome; Neoplastic Syndromes, Hereditary; Tumor predisposition; Hereditary Cancer Syndrome. Identifiers: Orphanet 140162, MedGen C0027672, MeSH D009386, MONDO:0015356.
Multiple endocrine neoplasia, type 2 (MEN2). Identifiers: Orphanet 653, MedGen C4048306, MONDO:0019003. Disease mechanism: gain of function.

Submissions (3):

Labcorp Genetics (formerly Invitae), Labcorp
Classification: Uncertain significance for Multiple endocrine neoplasia, type 2. Last evaluated: 2025-04-29. Review status: criteria provided, single submitter. Criteria: Invitae Variant Classification Sherloc (09022015). Collection method: clinical testing. Allele origin: germline.
Comment: This sequence change replaces aspartic acid, which is acidic and polar, with tyrosine, which is neutral and polar, at codon 460 of the RET protein (p.Asp460Tyr). This variant is not present in population databases (gnomAD no frequency). This variant has not been reported in the literature in individuals affected with RET-related conditions. ClinVar contains an entry for this variant (Variation ID: 426763). An algorithm developed to predict the effect of missense changes on protein structure and function (PolyPhen-2) suggests that this variant is likely to be disruptive. In summary, the available evidence is currently insufficient to determine the role of this variant in disease. Therefore, it has been classified as a Variant of Uncertain Significance.

Ambry Genetics
Classification: Uncertain significance for Hereditary cancer-predisposing syndrome. Last evaluated: 2020-12-30. Review status: criteria provided, single submitter. Criteria: Ambry Variant Classification Scheme 2023. Collection method: clinical testing. Allele origin: germline.
Comment: The p.D460Y variant (also known as c.1378G>T), located in coding exon 7 of the RET gene, results from a G to T substitution at nucleotide position 1378. The aspartic acid at codon 460 is replaced by tyrosine, an amino acid with highly dissimilar properties. This amino acid position is well conserved in available vertebrate species. In addition, this alteration is predicted to be tolerated by in silico analysis. Since supporting evidence is limited at this time, the clinical significance of this alteration remains unclear.

GeneDx
Classification: Uncertain significance. Last evaluated: 2017-04-05. Review status: criteria provided, single submitter. Criteria: GeneDx Variant Classification (06012015). Collection method: clinical testing. Allele origin: germline. Affected: yes.
Comment: The D460Y variant in the RET gene has not been published as a pathogenic variant, nor has it been reported as a benign variant to our knowledge. This variant is not observed in large population cohorts (Lek et al., 2016; 1000 Genomes Consortium et al., 2015; Exome Variant Server). The D460Y variant is a non-conservative amino acid substitution, which is likely to impact secondary protein structure as these residues differ in polarity, charge, size and/or other properties. This substitution occurs at a position that is not conserved. In silico analysis is inconsistent in its predictions as to whether or not the variant is damaging to the protein structure/function. Based on the currently available information, it is unclear whether D460Y is a pathogenic variant or a rare benign variant. We consider it to be a variant of uncertain significance.

NM_020975.6(RET):c.1378G>T (p.Asp460Tyr)

Gene: RET (ret proto-oncogene; plus strand). Cytogenetic location: 10q11.21.
Variant type: single nucleotide variant.
Coding change: c.1378G>T on transcript NM_020975.6 (MANE Select); coding-DNA position 1378, G replaced by T.
Protein change: p.Asp460Tyr; replaces aspartic acid 460 with tyrosine.
Molecular consequence: missense variant.
Genome position (GRCh38, 1-based): chr10:43,111,321, G>T. VCF-style: chr10-43111321-G-T. GRCh37 (hg19) VCF-style: chr10-43606769-G-T.
Other names: c.1378G>T, p.Asp460Tyr (NM_000323.2, NM_001406743.1, NM_001406744.1 and 6 more transcripts); c.616G>T, p.Asp206Tyr (NM_001355216.2); c.1249G>T, p.Asp417Tyr (NM_001406761.1, NM_001406762.1, NM_001406764.1 and 1 more transcripts); c.1090G>T, p.Asp364Tyr (NM_001406766.1, NM_001406767.1, NM_001406770.1); c.982G>T, p.Asp328Tyr (NM_001406769.1, NM_001406772.1); c.940G>T, p.Asp314Tyr (NM_001406771.1, NM_001406773.1); c.853G>T, p.Asp285Tyr (NM_001406774.1); c.652G>T, p.Asp218Tyr (NM_001406775.1, NM_001406776.1, NM_001406777.1 and 1 more transcripts); and 1 more; short protein forms D460Y, D206Y, D364Y, D417Y, D285Y, D130Y, D314Y, D328Y.
Identifiers: ClinVar variation 426763 (VCV000426763.7), dbSNP rs1085307787, ClinGen allele CA376549291.